The following is an entry in ClinVar:

ClinVar aggregate classification (germline): Pathogenic. Review status: criteria provided, multiple submitters, no conflicts (2 of 4 stars). 4 submissions from 4 submitters: Pathogenic (4). Last evaluated 2026-09-08.

Conditions:
Fabry disease. Also called: GLA DEFICIENCY; HEREDITARY DYSTOPIC LIPIDOSIS; Fabry's disease; Angiokeratoma corporis diffusum; Ceramide trihexosidosis; ALPHA-GALACTOSIDASE A DEFICIENCY. Identifiers: Orphanet 324, MedGen C0002986, MONDO:0010526, OMIM 301500, HP:0001071. Disease mechanism: loss of function, Fabry disease is due to inactivating mutations in the X-linked GLA gene resulting in deficiency of the enzyme Alpha Galactosidase-A..

Submissions (4):

Genomenon, Inc
Classification: Pathogenic for Fabry disease. Last evaluated: 2026-09-08. Review status: criteria provided, single submitter. Criteria: Genomenon Sequence Variant Interpretation Standards - Updated. Collection method: curation. Allele origin: germline. Affected: yes.
Comment: GLA p.Asp264Tyr (c.790G>T) is a missense variant that changes the amino acid at codon 264 from Aspartic acid to Tyrosine. This variant has been observed in at least one proband with clinical features consistent with Fabry disease (PMID:28507907;25804996;27657681;27733175;38410281;39390597;29305833;26333625;30723321). The variant was found to segregate with disease in at least one affected family (PMID:39390597). At least one functional study has demonstrated a substantial alteration in protein function relative to the wild-type (PMID:32023956;30723321;16773563;31036492;27657681;16595074). This variant is located in a mutational hotspot and/or important functional domain. It is absent or not present at a significant frequency in gnomAD. In silico models predict that this variant is possibly or probably damaging. In conclusion, we classify GLA p.Asp264Tyr (c.790G>T) as a pathogenic variant.

Labcorp Genetics (formerly Invitae), Labcorp
Classification: Pathogenic for Fabry disease. Last evaluated: 2024-09-02. Review status: criteria provided, single submitter. Criteria: Invitae Variant Classification Sherloc (09022015). Collection method: clinical testing. Allele origin: germline.
Comment: This sequence change replaces aspartic acid, which is acidic and polar, with tyrosine, which is neutral and polar, at codon 264 of the GLA protein (p.Asp264Tyr). This variant is not present in population databases (gnomAD no frequency). This missense change has been observed in individuals with Fabry disease (PMID: 15712228, 23935525, 26333625). ClinVar contains an entry for this variant (Variation ID: 222393). Invitae Evidence Modeling of protein sequence and biophysical properties (such as structural, functional, and spatial information, amino acid conservation, physicochemical variation, residue mobility, and thermodynamic stability) indicates that this missense variant is expected to disrupt GLA protein function with a positive predictive value of 80%. Experimental studies have shown that this missense change affects GLA function (PMID: 16773563). This variant disrupts the p.Asp264 amino acid residue in GLA. Other variant(s) that disrupt this residue have been determined to be pathogenic (PMID: 7504405, 9116979, 19387866, 21598360; internal data). This suggests that this residue is clinically significant, and that variants that disrupt this residue are likely to be disease-causing. For these reasons, this variant has been classified as Pathogenic.

Revvity Omics, Revvity
Classification: Pathogenic. Last evaluated: 2022-09-01. Review status: criteria provided, single submitter. Criteria: ACMG Guidelines, 2015. Collection method: clinical testing. Allele origin: germline.

Women's Health and Genetics/Laboratory Corporation of America, LabCorp
Classification: Pathogenic for Fabry disease. Last evaluated: 2016-07-04. Review status: criteria provided, single submitter. Criteria: LabCorp Variant Classification Summary - May 2015. Collection method: clinical testing. Allele origin: germline.
Comment: Variant summary: The GLA c.790G>T (p.Asp264Tyr) variant involves the alteration of a conserved nucleotide. 5/5 in silico tools predict a damaging outcome for this variant. Aspartate-264 is on the beta 7-strand of the beta/alfa-barrel and has its side-chain in the active site. A change to tyrosine would constrict the active site and remove the negative charge that assists in orientating the substrate (Shabbeer_2006). Multiple functional studies show that this variant leads to defective protein (Shabbeer_2006, Spada_2006, Lukas_2013). This variant is absent from approximately 87755 control chromosomes from ExAc. The variant has been reported in multiple FAB patients in literature and by a clinical diagnostic center in ClinVar. Multiple clinical diagnostic laboratories/reputable databases have classified this variant as pathogenic. Another missense variant at the same codon, p.Asp264Val has also been found in FAB patients and reported to be pathogenic in literature and databases, suggesting that this codon is likely to be a mutational hot-spot. Taken together, this variant is classified as Pathogenic.

Literature cited by the submitters: PubMed 28507907 (cited by Genomenon, Inc); PubMed 25804996 (cited by Genomenon, Inc); PubMed 27657681 (cited by Genomenon, Inc); PubMed 27733175 (cited by Genomenon, Inc); PubMed 38410281 (cited by Genomenon, Inc); PubMed 39390597 (cited by Genomenon, Inc); PubMed 29305833 (cited by Genomenon, Inc); PubMed 26333625 (cited by 3 submitters); PubMed 30723321 (cited by Genomenon, Inc); PubMed 32023956 (cited by Genomenon, Inc); PubMed 16773563 (cited by 3 submitters); PubMed 31036492 (cited by Genomenon, Inc); PubMed 16595074 (cited by Genomenon, Inc and Women's Health and Genetics/Laboratory Corporation of America, LabCorp); PubMed 15712228 (cited by Labcorp Genetics (formerly Invitae), Labcorp and Women's Health and Genetics/Laboratory Corporation of America, LabCorp); PubMed 23935525 (cited by Labcorp Genetics (formerly Invitae), Labcorp and Women's Health and Genetics/Laboratory Corporation of America, LabCorp); PubMed 7504405 (cited by Labcorp Genetics (formerly Invitae), Labcorp); PubMed 9116979 (cited by Labcorp Genetics (formerly Invitae), Labcorp); PubMed 19387866 (cited by Labcorp Genetics (formerly Invitae), Labcorp); PubMed 21598360 (cited by Labcorp Genetics (formerly Invitae), Labcorp); PubMed 24582695 (cited by Women's Health and Genetics/Laboratory Corporation of America, LabCorp).

NM_000169.3(GLA):c.790G>T (p.Asp264Tyr)

Genes: GLA (galactosidase alpha; minus strand), RPL36A-HNRNPH2 (RPL36A-HNRNPH2 readthrough; plus strand). Cytogenetic location: Xq22.1.
Variant type: single nucleotide variant.
Coding change: c.790G>T on transcript NM_000169.3 (MANE Select); coding-DNA position 790, G replaced by T.
Protein change: p.Asp264Tyr; replaces aspartic acid 264 with tyrosine.
Molecular consequence: missense variant. On other transcripts: non-coding transcript variant (3), intron variant (2).
Genome position (GRCh38, 1-based): chrX:101,398,796, C>A on the plus strand (G>T on the coding strand, the complement: GLA is on the minus strand). VCF-style: chrX-101398796-C-A. GRCh37 (hg19) VCF-style: chrX-100653784-C-A.
Other names: c.913G>T, p.Asp305Tyr (NM_001406747.1); c.790G>T, p.Asp264Tyr (NM_001406748.1); c.300+3339C>A (NM_001199973.2); c.177+6974C>A (NM_001199974.2); short protein forms D264Y, D305Y.
Identifiers: ClinVar variation 222393 (VCV000222393.8), dbSNP rs190347120, ClinGen allele CA352389.